The following is an entry in ClinVar:

NM_203446.3(SYNJ1):c.1973T>C (p.Val658Ala)

Gene: SYNJ1 (synaptojanin 1; minus strand). Cytogenetic location: 21q22.11.
Variant type: single nucleotide variant.
Coding change: c.1973T>C on transcript NM_203446.3 (MANE Select); coding-DNA position 1973, T replaced by C.
Protein change: p.Val658Ala; replaces valine 658 with alanine.
Molecular consequence: missense variant.
Genome position (GRCh38, 1-based): chr21:32,666,115, A>G on the plus strand (T>C on the coding strand, the complement: SYNJ1 is on the minus strand). VCF-style: chr21-32666115-A-G. GRCh37 (hg19) VCF-style: chr21-34038425-A-G.
Other names: c.1973T>C, p.Val658Ala (NM_001160302.2); c.1958T>C, p.Val653Ala (NM_001160306.2); c.2090T>C, p.Val697Ala (NM_003895.4); short protein forms V653A, V658A, V697A.
Identifiers: ClinVar variation 4528198 (VCV004528198.1).

ClinVar aggregate classification (germline): Uncertain significance (1 of 4 stars; one submission).

gnomAD v4.1: 2 of 1,604,146 alleles (0.00012%); highest among the groups gnomAD compares: Non-Finnish European, 0.00017%; no homozygotes.

Submission:

GeneDx
Classification: Uncertain significance. Last evaluated: 2025-05-09. Review status: criteria provided, single submitter. Criteria: GeneDx Variant Classification Process June 2021. Collection method: clinical testing. Allele origin: germline. Affected: yes.
Comment: Not observed at significant frequency in large population cohorts (gnomAD); In silico analysis supports that this missense variant has a deleterious effect on protein structure/function; Has not been previously published as pathogenic or benign to our knowledge